The following is an entry in ClinVar:

ClinVar aggregate classification (germline): Pathogenic (0 of 4 stars; one submission).

Conditions:
Alport syndrome. Also called: Hemorrhagic familial nephritis; Hemorrhagic hereditary nephritis; Congenital hereditary hematuria. Identifiers: Orphanet 63, MedGen C1567741, MONDO:0018965.

Submission:

Sydney Genome Diagnostics, Children's Hospital Westmead
Classification: Pathogenic for Alport syndrome. Last evaluated: 2018-10-25. Review status: no assertion criteria provided. Collection method: clinical testing. Allele origin: unknown. Affected: yes. Observed: 1 variant allele, 1 heterozygote.
Comment: This variant creates a premature stop codon (p.Gln1186*). To our knowledge, this variant has not been previously reported to be associated with disease. However, other truncating mutations downstream of this amino acid have been described in the Alport (COL4A5) database, The University of Utah. This variant is considered to be pathogenic.

NM_033380.3(COL4A5):c.3556C>T (p.Gln1186Ter)

Gene: COL4A5 (collagen type IV alpha 5 chain; plus strand). Cytogenetic location: Xq22.3.
Variant type: single nucleotide variant.
Coding change: c.3556C>T on transcript NM_033380.3 (MANE Select); coding-DNA position 3556, C replaced by T.
Protein change: p.Gln1186Ter; replaces glutamine 1186 with a stop codon.
Molecular consequence: nonsense.
Genome position (GRCh38, 1-based): chrX:108,667,135, C>T. VCF-style: chrX-108667135-C-T. GRCh37 (hg19) VCF-style: chrX-107910365-C-T.
Other names: c.3556C>T, p.Gln1186Ter (NM_000495.5); short protein forms Q1186*.
Identifiers: ClinVar variation 988256 (VCV000988256.1), dbSNP rs1381117009, ClinGen allele CA413848016.